The following is an entry in ClinVar:

NM_001429.4(EP300):c.2534C>G (p.Thr845Ser)

Gene: EP300 (EP300 lysine acetyltransferase; plus strand). Cytogenetic location: 22q13.2.
Variant type: single nucleotide variant.
Coding change: c.2534C>G on transcript NM_001429.4 (MANE Select); coding-DNA position 2534, C replaced by G.
Protein change: p.Thr845Ser; replaces threonine 845 with serine.
Molecular consequence: missense variant.
Genome position (GRCh38, 1-based): chr22:41,149,915, C>G. VCF-style: chr22-41149915-C-G. GRCh37 (hg19) VCF-style: chr22-41545919-C-G.
Other names: c.2456C>G, p.Thr819Ser (NM_001362843.2); c.2534C>G (NM_001429.3); short protein forms T819S, T845S.
Identifiers: ClinVar variation 1964051 (VCV001964051.26), dbSNP rs202070031, ClinGen allele CA10252893.

ClinVar aggregate classification (germline): Benign/Likely benign. Review status: criteria provided, multiple submitters, no conflicts (2 of 4 stars). 3 submissions from 3 submitters: Benign (1); Likely benign (1). 1 of the submissions does not count toward it. Last evaluated 2025-12-20.

Conditions:
EP300-related disorder. Also called: EP300-related disorders; EP300-related condition.
Rubinstein-Taybi syndrome due to EP300 haploinsufficiency. Also called: EP300-Related Rubinstein-Taybi Syndrome; RUBINSTEIN-TAYBI SYNDROME 2. Identifiers: Orphanet 353284, Orphanet 783, MedGen C3150941, MONDO:0013364, OMIM 613684.

Allele frequency attached by ClinVar (database versions not stated): 1000 Genomes Project 30x 0.00047; 1000 Genomes Project 0.00060.
gnomAD v4.1: 1,823 of 1,613,756 alleles (0.11%); highest among the groups gnomAD compares: Non-Finnish European, 0.011%; 27 homozygotes.

Submissions (3):

Labcorp Genetics (formerly Invitae), Labcorp
Classification: Benign for Rubinstein-Taybi syndrome due to EP300 haploinsufficiency. Last evaluated: 2025-12-20. Review status: criteria provided, single submitter. Criteria: Invitae Variant Classification Sherloc (09022015). Collection method: clinical testing. Allele origin: germline.

CeGaT Center for Human Genetics Tuebingen
Classification: Likely benign. Last evaluated: 2024-12-01. Review status: criteria provided, single submitter. Criteria: CeGaT Center For Human Genetics Tuebingen Variant Classification Criteria Version 2. Collection method: clinical testing. Allele origin: germline. Affected: yes. Observed: 2 variant alleles.
Comment: EP300: BS1

PreventionGenetics, part of Exact Sciences
Classification: Benign for EP300-related condition. Last evaluated: 2019-08-16. Review status: no assertion criteria provided. Collection method: clinical testing. Allele origin: germline. Not counted in ClinVar's aggregate classification.
Comment: This variant is classified as benign based on ACMG/AMP sequence variant interpretation guidelines (Richards et al. 2015 PMID: 25741868, with internal and published modifications).